The following is an entry in ClinVar:

NM_001372044.2(SHANK3):c.3443del (p.Pro1148fs)

Gene: SHANK3 (SH3 and multiple ankyrin repeat domains 3; plus strand). Cytogenetic location: 22q13.33.
Variant type: Deletion.
Coding change: c.3443del on transcript NM_001372044.2 (MANE Select); coding-DNA position 3443, one base deleted (C; older notation c.3443delC).
Protein change: p.Pro1148fs; shifts the reading frame from proline 1148.
Molecular consequence: frameshift variant.
Genome position (GRCh38, 1-based): chr22:50,721,051, C deleted; the last of 4 consecutive C bases (chr22:50,721,048-50,721,051); deleting any one gives the same sequence. VCF-style (leftmost placement, unchanged base first): chr22-50721047-TC-T. GRCh37 (hg19) VCF-style: chr22-51159475-TC-T.
Other names: c.3218delC, p.Pro1073Argfs (NM_033517.1); short protein forms P1148fs.
Identifiers: ClinVar variation 1709005 (VCV001709005.2), dbSNP rs2518427323, ClinGen allele CA2580099978.

ClinVar aggregate classification (germline): Likely pathogenic (1 of 4 stars; one submission).

Conditions:
Phelan-McDermid syndrome. Also called: TELOMERIC 22q13 MONOSOMY SYNDROME; 22q13.3 deletion syndrome; Phelan-McDermid Syndrome-SHANK3 Related. Identifiers: Orphanet 48652, MedGen C1853490, MONDO:0011652, OMIM 606232.

Submission:

MGZ Medical Genetics Center
Classification: Likely pathogenic for Phelan-McDermid syndrome. Last evaluated: 2021-10-11. Review status: criteria provided, single submitter. Criteria: ACMG Guidelines, 2015. Collection method: clinical testing. Allele origin: germline. Affected: yes. Observed: 1 variant allele.
Comment: ACMG criteria applied: PVS1, PM2_SUP